The following is an entry in ClinVar:

NM_001379180.1(ESRRB):c.1147G>A (p.Ala383Thr)

Gene: ESRRB (estrogen related receptor beta; plus strand). Cytogenetic location: 14q24.3.
Variant type: single nucleotide variant.
Coding change: c.1147G>A on transcript NM_001379180.1 (MANE Select); coding-DNA position 1147, G replaced by A.
Protein change: p.Ala383Thr; replaces alanine 383 with threonine.
Molecular consequence: missense variant.
Genome position (GRCh38, 1-based): chr14:76,498,240, G>A. VCF-style: chr14-76498240-G-A. GRCh37 (hg19) VCF-style: chr14-76964583-G-A.
Other names: c.1084G>A, p.Ala362Thr (NM_004452.4); short protein forms A362T, A383T.
Identifiers: ClinVar variation 666605 (VCV000666605.9), dbSNP rs553650212, ClinGen allele CA7281788.

ClinVar aggregate classification (germline): Uncertain significance. Review status: criteria provided, multiple submitters, no conflicts (2 of 4 stars). 3 submissions from 3 submitters: Uncertain significance (3). Last evaluated 2026-06-23.

Allele frequency attached by ClinVar (database versions not stated): gnomAD exomes 0.00006 and 0.00011; TOPMed 0.00009; ExAC 0.00010; gnomAD 0.00011; 1000 Genomes Project 0.00020; 1000 Genomes Project 30x 0.00016.

Submissions (3):

GeneDx
Classification: Uncertain significance. Last evaluated: 2026-06-23. Review status: criteria provided, single submitter. Criteria: GeneDx Variant Classification Process June 2021. Collection method: clinical testing. Allele origin: germline.
Comment: In silico analysis supports that this missense variant has a deleterious effect on protein structure/function; Has not been previously published as pathogenic or benign to our knowledge

Ambry Genetics
Classification: Uncertain significance. Last evaluated: 2025-12-16. Review status: criteria provided, single submitter. Criteria: Ambry Variant Classification Scheme 2023. Collection method: clinical testing. Allele origin: germline.

Laboratory for Molecular Medicine, Mass General Brigham Personalized Medicine
Classification: Uncertain significance. Last evaluated: 2018-02-13. Review status: criteria provided, single submitter. Criteria: LMM Criteria. Collection method: clinical testing. Allele origin: germline. Inheritance: Autosomal recessive inheritance. Observed: 1 variant allele.
Comment: The p.Ala362Thr variant in ESRRB has not been previously reported in individuals with hearing loss but has been identified in 0.01% (18/125736) of European chro mosomes by the Genome Aggregation Database (gnomAD .org; dbSNP rs553650212). However, this frequency is not high enough to rule out a pathogenic role. Computational prediction tools and conservation analysis sug gest that the p.Ala362Thr variant may not impact the protein, though this inform ation is not predictive enough to rule out pathogenicity. In summary, the clinic al significance of the p.Ala362Thr variant is uncertain. ACMG/AMP Criteria appli ed: BP4.